The following is an entry in ClinVar:

NM_022773.4(LMF1):c.956G>A (p.Ser319Asn)

Gene: LMF1 (lipase maturation factor 1; minus strand). Cytogenetic location: 16p13.3.
Variant type: single nucleotide variant.
Coding change: c.956G>A on transcript NM_022773.4 (MANE Select); coding-DNA position 956, G replaced by A.
Protein change: p.Ser319Asn; replaces serine 319 with asparagine.
Molecular consequence: missense variant. On other transcripts: non-coding transcript variant (1).
Genome position (GRCh38, 1-based): chr16:871,283, C>T on the plus strand (G>A on the coding strand, the complement: LMF1 is on the minus strand). VCF-style: chr16-871283-C-T. GRCh37 (hg19) VCF-style: chr16-921283-C-T.
Other names: c.305G>A, p.Ser102Asn (NM_001352017.2, NM_001352021.2); c.557G>A, p.Ser186Asn (NM_001352018.2); c.629G>A, p.Ser210Asn (NM_001352019.2); c.956G>A, p.Ser319Asn (NM_001352020.1); c.956G>A (NM_022773.2); short protein forms S186N, S319N, S102N, S210N.
Identifiers: ClinVar variation 1410919 (VCV001410919.9), dbSNP rs775541555, ClinGen allele CA7797259.

ClinVar aggregate classification (germline): Conflicting classifications of pathogenicity. Review status: criteria provided, conflicting classifications (1 of 4 stars). 2 submissions from 2 submitters: Uncertain significance (1); Likely benign (1). Last evaluated 2026-07-31.

Conditions:
Cardiovascular phenotype. Identifiers: MedGen CN230736.

Allele frequency attached by ClinVar (database versions not stated): ExAC 0.00001.
gnomAD v4.1: 40 of 1,612,592 alleles (0.0025%); highest among the groups gnomAD compares: Middle Eastern, 0.033%; no homozygotes.

Submissions (2):

Ambry Genetics
Classification: Likely benign for Cardiovascular phenotype. Last evaluated: 2026-07-31. Review status: criteria provided, single submitter. Criteria: Ambry Variant Classification Scheme 2023. Collection method: clinical testing. Allele origin: germline.

Labcorp Genetics (formerly Invitae), Labcorp
Classification: Uncertain significance. Last evaluated: 2021-06-18. Review status: criteria provided, single submitter. Criteria: Invitae Variant Classification Sherloc (09022015). Collection method: clinical testing. Allele origin: germline.
Comment: This variant has not been reported in the literature in individuals with LMF1-related conditions. This variant is present in population databases (rs775541555, ExAC 0.002%). This sequence change replaces serine with asparagine at codon 319 of the LMF1 protein (p.Ser319Asn). The serine residue is highly conserved and there is a small physicochemical difference between serine and asparagine. Algorithms developed to predict the effect of missense changes on protein structure and function are either unavailable or do not agree on the potential impact of this missense change (SIFT: "Tolerated"; PolyPhen-2: "Probably Damaging"; Align-GVGD: "Class C0"). In summary, the available evidence is currently insufficient to determine the role of this variant in disease. Therefore, it has been classified as a Variant of Uncertain Significance.